The following is an entry in ClinVar:

ClinVar aggregate classification (germline): Uncertain significance (1 of 4 stars; one submission).

Conditions:
Inborn genetic diseases. Identifiers: MedGen C0950123, MeSH D030342.

Submission:

Ambry Genetics
Classification: Uncertain significance for Inborn genetic diseases. Last evaluated: 2025-12-10. Review status: criteria provided, single submitter. Criteria: Ambry Variant Classification Scheme 2023. Collection method: clinical testing. Allele origin: germline.
Comment: The p.S88P variant (also known as c.262T>C), located in coding exon 2 of the RTEL1 gene, results from a T to C substitution at nucleotide position 262. The serine at codon 88 is replaced by proline, an amino acid with similar properties. This amino acid position is conserved. In addition, the in silico prediction for this alteration is inconclusive. Based on the available evidence, the clinical significance of this variant remains unclear.

NM_001283009.2(RTEL1):c.262T>C (p.Ser88Pro)

Genes: RTEL1 (regulator of telomere elongation helicase 1; plus strand), RTEL1-TNFRSF6B (RTEL1-TNFRSF6B readthrough (NMD candidate); plus strand). Cytogenetic location: 20q13.33.
Variant type: single nucleotide variant.
Coding change: c.262T>C on transcript NM_001283009.2 (MANE Select); coding-DNA position 262, T replaced by C.
Protein change: p.Ser88Pro; replaces serine 88 with proline.
Molecular consequence: missense variant. On other transcripts: non-coding transcript variant (1), 5 prime UTR variant (1).
Genome position (GRCh38, 1-based): chr20:63,661,457, T>C. VCF-style: chr20-63661457-T-C. GRCh37 (hg19) VCF-style: chr20-62292810-T-C.
Other names: c.-408T>C (NM_001283010.1); c.262T>C, p.Ser88Pro (NM_016434.4, NM_032957.5); short protein forms S88P.
Identifiers: ClinVar variation 4629650 (VCV004629650.1).